The following is an entry in ClinVar:

NM_000321.3(RB1):c.1390-27T>C

Gene: RB1 (RB transcriptional corepressor 1; plus strand). Cytogenetic location: 13q14.2.
Variant type: single nucleotide variant.
Coding change: c.1390-27T>C on transcript NM_000321.3 (MANE Select); 27 bases into the intron before coding-DNA position 1390, T replaced by C.
Molecular consequence: intron variant.
Genome position (GRCh38, 1-based): chr13:48,380,026, T>C. VCF-style: chr13-48380026-T-C. GRCh37 (hg19) VCF-style: chr13-48954162-T-C.
Other names: c.1390-27T>C (NM_001407165.1, NM_001407166.1).
Identifiers: ClinVar variation 4759378 (VCV004759378.1), dbSNP rs757801535.

ClinVar aggregate classification (germline): Likely benign (1 of 4 stars; one submission).

Conditions:
Hereditary retinoblastoma. Identifiers: Orphanet 357027, MedGen C0751483, MONDO:0018160.

gnomAD v4.1: 14 of 1,287,636 alleles (0.0011%); highest among the groups gnomAD compares: South Asian, 0.015%; no homozygotes.

Submission:

Ramesar Group, Division of Human Genetics, Institute of Infectious Diseases and Molecular Medicine, UCT/MRC Genomic and Precision Medicine Research Unit, University of Cape Town
Classification: Likely benign for Hereditary retinoblastoma. Last evaluated: 2025-09-17. Review status: criteria provided, single submitter. Criteria: ACMG Guidelines, 2015. Collection method: research. Allele origin: germline. Affected: no.
Comment: BP5 - Variant found in a patient with a different retinal disease; RB1 is not associated with the phenotype BP7 - A non-coding variant with no predicted effect on splicing (SpliceAI scores are negligible)